The following is an entry in ClinVar:

ClinVar aggregate classification (germline): Uncertain significance (1 of 4 stars; one submission).

Allele frequency attached by ClinVar (database versions not stated): gnomAD exomes below 0.00001.
gnomAD v4.1: 1 of 1,613,682 alleles (0.000062%); highest among the groups gnomAD compares: African/African-American, 0.0013%; no homozygotes.

Submission:

Ambry Genetics
Classification: Uncertain significance. Last evaluated: 2021-12-29. Review status: criteria provided, single submitter. Criteria: Ambry Variant Classification Scheme 2023. Collection method: clinical testing. Allele origin: germline.
Comment: The p.I961V variant (also known as c.2881A>G), located in coding exon 23 of the BUB1 gene, results from an A to G substitution at nucleotide position 2881. The isoleucine at codon 961 is replaced by valine, an amino acid with highly similar properties. This amino acid position is conserved. In addition, this alteration is predicted to be tolerated by in silico analysis. Since supporting evidence is limited at this time, the clinical significance of this alteration remains unclear.

NM_004336.5(BUB1):c.2881A>G (p.Ile961Val)

Gene: BUB1 (BUB1 mitotic checkpoint serine/threonine kinase; minus strand). Cytogenetic location: 2q13.
Variant type: single nucleotide variant.
Coding change: c.2881A>G on transcript NM_004336.5 (MANE Select); coding-DNA position 2881, A replaced by G.
Protein change: p.Ile961Val; replaces isoleucine 961 with valine.
Molecular consequence: missense variant.
Genome position (GRCh38, 1-based): chr2:110,641,108, T>C on the plus strand (A>G on the coding strand, the complement: BUB1 is on the minus strand). VCF-style: chr2-110641108-T-C. GRCh37 (hg19) VCF-style: chr2-111398685-T-C.
Other names: c.2821A>G, p.Ile941Val (NM_001278616.2); c.2710A>G, p.Ile904Val (NM_001278617.2); short protein forms I941V, I904V, I961V.
Identifiers: ClinVar variation 1797179 (VCV001797179.2), dbSNP rs2467970266, ClinGen allele CA348089093.